The following is an entry in ClinVar:

ClinVar aggregate classification (germline): Likely benign. Review status: criteria provided, multiple submitters, no conflicts (2 of 4 stars). 2 submissions from 2 submitters: Likely benign (2). Last evaluated 2024-03-22.

Allele frequency attached by ClinVar (database versions not stated): gnomAD 0.00001; gnomAD exomes 0.00001.
gnomAD v4.1: 4 of 1,602,696 alleles (0.00025%); highest among the groups gnomAD compares: South Asian, 0.0045%; no homozygotes.

Submissions (2):

Labcorp Genetics (formerly Invitae), Labcorp
Classification: Likely benign. Last evaluated: 2024-03-22. Review status: criteria provided, single submitter. Criteria: Invitae Variant Classification Sherloc (09022015). Collection method: clinical testing. Allele origin: germline.

CeGaT Center for Human Genetics Tuebingen
Classification: Likely benign. Last evaluated: 2023-08-01. Review status: criteria provided, single submitter. Criteria: CeGaT Center For Human Genetics Tuebingen Variant Classification Criteria Version 2. Collection method: clinical testing. Allele origin: germline. Affected: yes. Observed: 1 variant allele.
Comment: OTOF: BP4, BP7

NM_194248.3(OTOF):c.2064T>C (p.Thr688=)

Gene: OTOF (otoferlin; minus strand). Cytogenetic location: 2p23.3.
Variant type: single nucleotide variant.
Coding change: c.2064T>C on transcript NM_194248.3 (MANE Select); coding-DNA position 2064, T replaced by C.
Protein change: p.Thr688=; no amino-acid change (threonine 688 retained).
Molecular consequence: synonymous variant.
Genome position (GRCh38, 1-based): chr2:26,479,502, A>G on the plus strand (T>C on the coding strand, the complement: OTOF is on the minus strand). VCF-style: chr2-26479502-A-G. GRCh37 (hg19) VCF-style: chr2-26702370-A-G.
Other names: c.2064T>C, p.Thr688= (NM_001287489.2).
Identifiers: ClinVar variation 2650750 (VCV002650750.26), dbSNP rs1172003222, ClinGen allele CA425205036.
Genomic context (GRCh38, chr2:26,479,502, plus strand): 5'-AGGCCACAGGAGGATGGGAGGCTGGGCCCACCTGTCGGTGACCTGGGGCCGCATTGGTGG[A>G]GTGGAGGAGACTGAGGCCAGGTCCCCGGCATCACCGGCCTCGTCATCACTTGCGTTCTGA-3'
Protein context (NP_919224.1, residues 678-698): DAGDLASVSS[Thr688=]PPMRPQVTDR